The following is an entry in ClinVar:

ClinVar aggregate classification (germline): not provided (0 of 4 stars; one submission).

Allele frequency attached by ClinVar (database versions not stated): gnomAD exomes 0.00002; TOPMed 0.00031; gnomAD 0.00033 and 0.00034.
gnomAD v4.1: 75 of 1,289,410 alleles (0.0058%); highest among the groups gnomAD compares: African/African-American, 0.11%; no homozygotes.

Submission:

Human Evolutionary Genetics, Institut Pasteur
No classification provided. Review status: no classification provided. Collection method: not provided. Allele origin: germline.
ClinVar note: Converted during submission from untested to not provided.

NC_000019.10:g.54947642C>A

Gene: NLRP7 (NLR family pyrin domain containing 7; minus strand). Cytogenetic location: 19q13.42.
Variant type: single nucleotide variant.
Genome position: GRCh38 VCF-style: chr19-54947642-C-A. GRCh37 (hg19) VCF-style: chr19-55459010-C-A.
Identifiers: ClinVar variation 127253 (VCV000127253.2), dbSNP rs199475819, ClinGen allele CA230810.